The following is an entry in ClinVar:

NM_001277115.2(DNAH11):c.7453C>T (p.His2485Tyr)

Gene: DNAH11 (dynein axonemal heavy chain 11; plus strand). Cytogenetic location: 7p15.3.
Variant type: single nucleotide variant.
Coding change: c.7453C>T on transcript NM_001277115.2 (MANE Select); coding-DNA position 7453, C replaced by T.
Protein change: p.His2485Tyr; replaces histidine 2485 with tyrosine.
Molecular consequence: missense variant.
Genome position (GRCh38, 1-based): chr7:21,735,652, C>T. VCF-style: chr7-21735652-C-T. GRCh37 (hg19) VCF-style: chr7-21775270-C-T.
Other names: short protein forms H2485Y.
Identifiers: ClinVar variation 5001527 (VCV005001527.1).

ClinVar aggregate classification (germline): Uncertain significance (1 of 4 stars; one submission).

Conditions:
DNAH11-related disorder. Also called: DNAH11-related condition.

Submission:

PreventionGenetics, part of Exact Sciences
Classification: Uncertain significance for DNAH11-related condition. Last evaluated: 2025-07-14. Review status: criteria provided, single submitter. Criteria: ACMG Guidelines, 2015. Collection method: clinical testing. Allele origin: germline.
Comment: The DNAH11 c.7453C>T variant is predicted to result in the amino acid substitution p.His2485Tyr. To our knowledge, this variant has not been reported in the literature or in a large population database (gnomAD), indicating this variant is rare. At this time, the clinical significance of this variant is uncertain due to the absence of conclusive functional and genetic evidence.